The following is an entry in ClinVar:

NM_020964.3(EPG5):c.486_491del (p.Tyr162_Gln164delinsTer)

Gene: EPG5 (ectopic P-granules 5 autophagy tethering factor; minus strand). Cytogenetic location: 18q21.1.
Variant type: Deletion.
Coding change: c.486_491del on transcript NM_020964.3 (MANE Select); coding-DNA positions 486 to 491, 6 bases deleted (TACTCA; older notation c.486_491delTACTCA).
Protein change: p.Tyr162_Gln164delinsTer.
Molecular consequence: nonsense.
Genome position (GRCh38, 1-based): chr18:45,954,911-45,954,916, TGAGTA deleted on the plus strand (TACTCA on the coding strand, the reverse complement: EPG5 is on the minus strand); deleting any 6 consecutive bases within chr18:45,954,911-45,954,917 gives the same sequence; the c. name uses the placement nearest the transcript's 3' end. VCF-style (leftmost placement, unchanged base first): chr18-45954910-CTGAGTA-C. GRCh37 (hg19) VCF-style: chr18-43534876-CTGAGTA-C.
Other names: c.486_491del, p.Tyr162_Gln164delinsTer (NM_001410858.1, NM_001410859.1).
Identifiers: ClinVar variation 2815507 (VCV002815507.3), dbSNP rs2512128017, ClinGen allele CA2576494963.

ClinVar aggregate classification (germline): Pathogenic (1 of 4 stars; one submission).

Conditions:
Vici syndrome (VICIS). Identifiers: Orphanet 1493, MedGen C1855772, MONDO:0009452, OMIM 242840.

Submission:

Labcorp Genetics (formerly Invitae), Labcorp
Classification: Pathogenic for Vici syndrome. Last evaluated: 2022-11-20. Review status: criteria provided, single submitter. Criteria: Invitae Variant Classification Sherloc (09022015). Collection method: clinical testing. Allele origin: germline.
Comment: This variant has not been reported in the literature in individuals affected with EPG5-related conditions. For these reasons, this variant has been classified as Pathogenic. This variant is not present in population databases (gnomAD no frequency). This sequence change creates a premature translational stop signal (p.Tyr162*) in the EPG5 gene. It is expected to result in an absent or disrupted protein product. Loss-of-function variants in EPG5 are known to be pathogenic (PMID: 23222957, 23674064).

Literature cited by the submitters: PubMed 23222957; PubMed 23674064.